The following is an entry in ClinVar:

ClinVar aggregate classification (germline): Pathogenic (1 of 4 stars; one submission).

Conditions:
Charcot-Marie-Tooth disease axonal type 2V. Also called: CHARCOT-MARIE-TOOTH NEUROPATHY, TYPE 2V; CHARCOT-MARIE-TOOTH DISEASE, AXONAL, AUTOSOMAL DOMINANT, TYPE 2V. Identifiers: Orphanet 447964, MedGen C5569050, MONDO:0014665, OMIM 616491.
Mucopolysaccharidosis, MPS-III-B (MPS3B). Also called: N-ACETYL-ALPHA-D-GLUCOSAMINIDASE DEFICIENCY; NAGLU DEFICIENCY; SANFILIPPO SYNDROME B; MPS III B; Mucopolysaccharidosis type IIIB (Sanfilippo B); MUCOPOLYSACCHARIDOSIS, TYPE IIIB. Identifiers: Orphanet 79270, MedGen C0086648, MONDO:0009656, OMIM 252920.

Submission:

Labcorp Genetics (formerly Invitae), Labcorp
Classification: Pathogenic for Charcot-Marie-Tooth disease axonal type 2V; Mucopolysaccharidosis, MPS-III-B. Last evaluated: 2023-05-08. Review status: criteria provided, single submitter. Criteria: Invitae Variant Classification Sherloc (09022015). Collection method: clinical testing. Allele origin: germline.
Comment: This sequence change creates a premature translational stop signal (p.Gly82Alafs*43) in the NAGLU gene. It is expected to result in an absent or disrupted protein product. Loss-of-function variants in NAGLU are known to be pathogenic (PMID: 9832037, 10094189, 16151907). This variant is not present in population databases (gnomAD no frequency). This variant has not been reported in the literature in individuals affected with NAGLU-related conditions. For these reasons, this variant has been classified as Pathogenic.

Literature cited by the submitters: PubMed 9832037; PubMed 10094189; PubMed 16151907.

NM_000263.4(NAGLU):c.237_244dup (p.Gly82fs)

Genes: NAGLU (N-acetyl-alpha-glucosaminidase; plus strand), LOC130060903 (ATAC-STARR-seq lymphoblastoid silent region 8533; plus strand). Cytogenetic location: 17q21.2.
Variant type: Duplication.
Coding change: c.237_244dup on transcript NM_000263.4 (MANE Select); coding-DNA positions 237 to 244, 8 bases duplicated (CTCCACGG; older notation c.237_244dupCTCCACGG).
Protein change: p.Gly82fs; shifts the reading frame from glycine 82.
Molecular consequence: frameshift variant.
Genome position (GRCh38, 1-based): chr17:42,536,509-42,536,516, CTCCACGG duplicated; duplicating any 8 consecutive bases within chr17:42,536,506-42,536,516 gives the same sequence; the c. name uses the placement nearest the transcript's 3' end. VCF-style (leftmost placement, unchanged base first): chr17-42536505-G-GCGGCTCCA. GRCh37 (hg19) VCF-style: chr17-40688523-G-GCGGCTCCA.
Other names: short protein forms G82fs.
Identifiers: ClinVar variation 2947556 (VCV002947556.3), dbSNP rs2510650286, ClinGen allele CA2740095357.